The following is an entry in ClinVar:

NM_001127178.3(PIGG):c.145C>T (p.Pro49Ser)

Gene: PIGG (phosphatidylinositol glycan anchor biosynthesis class G (EMM blood group); plus strand). Cytogenetic location: 4p16.3.
Variant type: single nucleotide variant.
Coding change: c.145C>T on transcript NM_001127178.3 (MANE Select); coding-DNA position 145, C replaced by T.
Protein change: p.Pro49Ser; replaces proline 49 with serine.
Molecular consequence: missense variant. On other transcripts: 5 prime UTR variant (9), non-coding transcript variant (10), intron variant (1).
Genome position (GRCh38, 1-based): chr4:499,480, C>T. VCF-style: chr4-499480-C-T. GRCh37 (hg19) VCF-style: chr4-493269-C-T.
Other names: c.145C>T, p.Pro49Ser (NM_001289052.2, NM_001345989.2, NM_017733.5); c.-681C>T (NM_001289053.2); c.-292C>T (NM_001289055.2); c.-359C>T (NM_001289057.2, NM_001345986.2, NM_001345987.2); c.-979C>T (NM_001345988.2); c.-1481C>T (NM_001345990.2); c.-1579C>T (NM_001345991.2); c.-1304C>T (NM_001345994.2); and 2 more; short protein forms P49S.
Identifiers: ClinVar variation 1404160 (VCV001404160.7), dbSNP rs781855613, ClinGen allele CA2792899.
Genomic context (GRCh38, chr4:499,480, plus strand): 5'-CCGGCTCCCGTTCGTTCCTCTGCCAGAGCGGAACACGGAGCGGAGCCCCCAGCGCCCGAA[C>T]CCTCGGCTGGTACGGACCCCTCCCCGGCGTCTCCGCTCCCCTGACCCCACATCCCCTAGA-3'
Protein context (NP_001120650.1, residues 39-59): EHGAEPPAPE[Pro49Ser]SAGASSNWTT

ClinVar aggregate classification (germline): Uncertain significance. Review status: criteria provided, multiple submitters, no conflicts (2 of 4 stars). 3 submissions from 3 submitters: Uncertain significance (3). Last evaluated 2025-08-07.

Conditions:
Intellectual disability, autosomal recessive 53 (NEDHSCA). Also called: NEURODEVELOPMENTAL DISORDER WITH OR WITHOUT HYPOTONIA, SEIZURES, AND CEREBELLAR ATROPHY; GLYCOSYLPHOSPHATIDYLINOSITOL BIOSYNTHESIS DEFECT 13; Mental retardation, autosomal recessive 53. Identifiers: Orphanet 488635, MedGen C4310794, MONDO:0014832, OMIM 616917.
Inborn genetic diseases. Identifiers: MedGen C0950123, MeSH D030342.

Allele frequency attached by ClinVar (database versions not stated): ExAC 0.00004; gnomAD 0.00006; gnomAD exomes 0.00001 and 0.00002; TOPMed 0.00005.
gnomAD v4.1: 19 of 1,597,806 alleles (0.0012%); highest among the groups gnomAD compares: African/African-American, 0.02%; no homozygotes.

Submissions (3):

GeneDx
Classification: Uncertain significance. Last evaluated: 2025-08-07. Review status: criteria provided, single submitter. Criteria: GeneDx Variant Classification Process June 2021. Collection method: clinical testing. Allele origin: germline. Affected: yes.
Comment: In silico analysis supports that this missense variant has a deleterious effect on protein structure/function; Has not been previously published as pathogenic or benign to our knowledge

Ambry Genetics
Classification: Uncertain significance for Inborn genetic diseases. Last evaluated: 2024-02-27. Review status: criteria provided, single submitter. Criteria: Ambry Variant Classification Scheme 2023. Collection method: clinical testing. Allele origin: germline.

Labcorp Genetics (formerly Invitae), Labcorp
Classification: Uncertain significance for Intellectual disability, autosomal recessive 53. Last evaluated: 2022-06-14. Review status: criteria provided, single submitter. Criteria: Invitae Variant Classification Sherloc (09022015). Collection method: clinical testing. Allele origin: germline.
Comment: This sequence change replaces proline, which is neutral and non-polar, with serine, which is neutral and polar, at codon 49 of the PIGG protein (p.Pro49Ser). This variant is present in population databases (rs781855613, gnomAD 0.04%). This variant has not been reported in the literature in individuals affected with PIGG-related conditions. Algorithms developed to predict the effect of missense changes on protein structure and function (SIFT, PolyPhen-2, Align-GVGD) all suggest that this variant is likely to be tolerated. In summary, the available evidence is currently insufficient to determine the role of this variant in disease. Therefore, it has been classified as a Variant of Uncertain Significance.